The following is an entry in ClinVar:

NM_005670.4(EPM2A):c.102G>A (p.Pro34=)

Genes: EPM2A (EPM2A glucan phosphatase, laforin; minus strand), EPM2A-DT (EPM2A divergent transcript; plus strand), LOC129997381 (ATAC-STARR-seq lymphoblastoid silent region 17642; plus strand). Cytogenetic location: 6q24.3.
Variant type: single nucleotide variant.
Coding change: c.102G>A on transcript NM_005670.4 (MANE Select); coding-DNA position 102, G replaced by A.
Protein change: p.Pro34=; no amino-acid change (proline 34 retained).
Molecular consequence: synonymous variant. On other transcripts: 5 prime UTR variant (3), intron variant (1).
Genome position (GRCh38, 1-based): chr6:145,735,397, C>T on the plus strand (G>A on the coding strand, the complement: EPM2A is on the minus strand). VCF-style: chr6-145735397-C-T. GRCh37 (hg19) VCF-style: chr6-146056533-C-T.
Other names: c.102G>A, p.Pro34= (NM_001018041.2, NM_001360057.2, NM_001368130.1); c.-568G>A (NM_001360071.2); c.-522G>A (NM_001368129.2); c.-266G>A (NM_001368131.1); c.-114+511G>A (NM_001360064.2).
Identifiers: ClinVar variation 514700 (VCV000514700.10), dbSNP rs1014133463, ClinGen allele CA149194986.

ClinVar aggregate classification (germline): Likely benign. Review status: criteria provided, multiple submitters, no conflicts (2 of 4 stars). 2 submissions from 2 submitters: Likely benign (2). Last evaluated 2025-06-04.

Conditions:
Progressive myoclonic epilepsy. Also called: Familial progressive myoclonic epilepsy; Myoclonic Epilepsies, Progressive; Myoclonus epilepsy; Progressive myoclonus epilepsy. Identifiers: Orphanet 308, Orphanet 98261, MedGen C0751778, MONDO:0020074.

Allele frequency attached by ClinVar (database versions not stated): TOPMed 0.00005.

Submissions (2):

Labcorp Genetics (formerly Invitae), Labcorp
Classification: Likely benign for Progressive myoclonic epilepsy. Last evaluated: 2025-06-04. Review status: criteria provided, single submitter. Criteria: Invitae Variant Classification Sherloc (09022015). Collection method: clinical testing. Allele origin: germline.

GeneDx
Classification: Likely benign. Last evaluated: 2018-01-23. Review status: criteria provided, single submitter. Criteria: GeneDx Variant Classification (06012015). Collection method: clinical testing. Allele origin: germline. Affected: yes.
Comment: This variant is considered likely benign or benign based on one or more of the following criteria: it is a conservative change, it occurs at a poorly conserved position in the protein, it is predicted to be benign by multiple in silico algorithms, and/or has population frequency not consistent with disease.